The following is an entry in ClinVar:

NM_001102469.2(LIPN):c.964-4A>G

Gene: LIPN (lipase family member N; plus strand). Cytogenetic location: 10q23.31.
Variant type: single nucleotide variant.
Coding change: c.964-4A>G on transcript NM_001102469.2 (MANE Select); 4 bases into the intron before coding-DNA position 964, A replaced by G.
Molecular consequence: intron variant.
Genome position (GRCh38, 1-based): chr10:88,778,005, A>G. VCF-style: chr10-88778005-A-G. GRCh37 (hg19) VCF-style: chr10-90537762-A-G.
Identifiers: ClinVar variation 3040042 (VCV003040042.2), dbSNP rs375269629, ClinGen allele CA5592022.

ClinVar aggregate classification (germline): Likely benign (0 of 4 stars; one submission).

Conditions:
LIPN-related disorder. Also called: LIPN-related condition.

Allele frequency attached by ClinVar (database versions not stated): gnomAD exomes 0.00002; ExAC 0.00009; 1000 Genomes Project 0.00020; ESP Exome Variant Server 0.00024; TOPMed 0.00028; gnomAD 0.00030; 1000 Genomes Project 30x 0.00031.
gnomAD v4.1: 80 of 1,595,692 alleles (0.005%); highest among the groups gnomAD compares: African/African-American, 0.096%; no homozygotes.

Submission:

PreventionGenetics, part of Exact Sciences
Classification: Likely benign for LIPN-related condition. Last evaluated: 2019-10-28. Review status: no assertion criteria provided. Collection method: clinical testing. Allele origin: germline.
Comment: This variant is classified as likely benign based on ACMG/AMP sequence variant interpretation guidelines (Richards et al. 2015 PMID: 25741868, with internal and published modifications).